The following is an entry in ClinVar:

ClinVar aggregate classification (germline): Uncertain significance (1 of 4 stars; one submission).

Submission:

Labcorp Genetics (formerly Invitae), Labcorp
Classification: Uncertain significance. Last evaluated: 2025-12-01. Review status: criteria provided, single submitter. Criteria: Invitae Variant Classification Sherloc (09022015). Collection method: clinical testing. Allele origin: germline.
Comment: This sequence change creates a premature translational stop signal (p.Lys190*) in the MAD2L2 gene. While this is not anticipated to result in nonsense mediated decay, it is expected to disrupt the last 22 amino acid(s) of the MAD2L2 protein. This variant is not present in population databases (gnomAD no frequency). This variant has not been reported in the literature in individuals affected with MAD2L2-related conditions. In summary, the available evidence is currently insufficient to determine the role of this variant in disease. Therefore, it has been classified as a Variant of Uncertain Significance.

NM_006341.4(MAD2L2):c.568A>T (p.Lys190Ter)

Gene: MAD2L2 (mitotic arrest deficient 2 like 2; minus strand). Cytogenetic location: 1p36.22.
Variant type: single nucleotide variant.
Coding change: c.568A>T on transcript NM_006341.4 (MANE Select); coding-DNA position 568, A replaced by T.
Protein change: p.Lys190Ter; replaces lysine 190 with a stop codon.
Molecular consequence: nonsense.
Genome position (GRCh38, 1-based): chr1:11,675,108, T>A on the plus strand (A>T on the coding strand, the complement: MAD2L2 is on the minus strand). VCF-style: chr1-11675108-T-A. GRCh37 (hg19) VCF-style: chr1-11735165-T-A.
Other names: c.568A>T, p.Lys190Ter (NM_001127325.2); short protein forms K190*.
Identifiers: ClinVar variation 4711395 (VCV004711395.1).